The following is an entry in ClinVar:

ClinVar aggregate classification (germline): Uncertain significance (1 of 4 stars; one submission).

Conditions:
Inborn genetic diseases. Identifiers: MedGen C0950123, MeSH D030342.

gnomAD v4.1: 2 of 1,190,330 alleles (0.00017%); highest among the groups gnomAD compares: African/African-American, 0.0035%; no homozygotes.

Submission:

Ambry Genetics
Classification: Uncertain significance for Inborn genetic diseases. Last evaluated: 2026-07-03. Review status: criteria provided, single submitter. Criteria: Ambry Variant Classification Scheme 2023. Collection method: clinical testing. Allele origin: germline.
Comment: The c.961A>G (p.K321E) alteration is located in exon 7 (coding exon 7) of the ATP2B3 gene. This alteration results from a A to G substitution at nucleotide position 961, causing the lysine (K) at amino acid position 321 to be replaced by a glutamic acid (E). Based on data from gnomAD, the G allele has an overall frequency of 0.001% (1/165448) total alleles studied. The highest observed frequency was 0.008% (1/12557) of African alleles. Based on insufficient or conflicting evidence, the clinical significance of this alteration remains unclear.

NM_001001344.3(ATP2B3):c.961A>G (p.Lys321Glu)

Gene: ATP2B3 (ATPase plasma membrane Ca2+ transporting 3; plus strand). Cytogenetic location: Xq28.
Variant type: single nucleotide variant.
Coding change: c.961A>G on transcript NM_001001344.3 (MANE Select); coding-DNA position 961, A replaced by G.
Protein change: p.Lys321Glu; replaces lysine 321 with glutamic acid.
Molecular consequence: missense variant.
Genome position (GRCh38, 1-based): chrX:153,547,837, A>G. VCF-style: chrX-153547837-A-G. GRCh37 (hg19) VCF-style: chrX-152813295-A-G.
Other names: c.961A>G, p.Lys321Glu (NM_001388360.1, NM_001388361.1, NM_001388362.1 and 1 more transcripts); c.919A>G, p.Lys307Glu (NM_001410708.1); short protein forms K307E, K321E.
Identifiers: ClinVar variation 5032356 (VCV005032356.1).
Genomic context (GRCh38, chrX:153,547,837, plus strand): 5'-ATAACGCCTTCTCCCCAGCCAGGCACTGACCTTGGCCATGGGGTTCCTCTGTGTGCAGCT[A>G]AGAAGCAGGATGGTGCAGTGGCCATGGAGATGCAGCCCCTGAAGAGCGCGGAGGGTGGGG-3'
Protein context (NP_001001344.1, residues 311-331): GAMESSQTKA[Lys321Glu]KQDGAVAMEM